The following is an entry in ClinVar:

NM_001267550.2(TTN):c.95297C>T (p.Ser31766Phe)

Genes: TTN (titin; minus strand), TTN-AS1 (TTN antisense RNA 1; plus strand). Cytogenetic location: 2q31.2.
Variant type: single nucleotide variant.
Coding change: c.95297C>T on transcript NM_001267550.2 (MANE Select); coding-DNA position 95297, C replaced by T.
Protein change: p.Ser31766Phe; replaces serine 31766 with phenylalanine.
Molecular consequence: missense variant.
Genome position (GRCh38, 1-based): chr2:178,545,939, G>A on the plus strand (C>T on the coding strand, the complement: TTN is on the minus strand). VCF-style: chr2-178545939-G-A. GRCh37 (hg19) VCF-style: chr2-179410666-G-A.
Other names: p.S30125F:TCC>TTC; p.Ser30125Phe; c.90374C>T, p.Ser30125Phe (NM_001256850.1); c.68102C>T, p.Ser22701Phe (NM_003319.4); c.87593C>T, p.Ser29198Phe (NM_133378.4); c.68477C>T, p.Ser22826Phe (NM_133432.3); c.68678C>T, p.Ser22893Phe (NM_133437.4); short protein forms S31766F, S29198F, S30125F, S22701F, S22826F, S22893F.
Identifiers: ClinVar variation 47555 (VCV000047555.79), dbSNP rs191484894, ClinGen allele CA141332.

ClinVar aggregate classification (germline): Conflicting classifications of pathogenicity. Review status: criteria provided, conflicting classifications (1 of 4 stars). 25 submissions from 21 submitters: Uncertain significance (1); Benign (14); Likely benign (5). 5 of the submissions do not count toward it. Last evaluated 2026-09-01.

Conditions:
Cardiovascular phenotype. Identifiers: MedGen CN230736.
Dilated cardiomyopathy 1G (CMD1G). Identifiers: Orphanet 154, MedGen C1858763, MONDO:0011400, OMIM 604145.
Autosomal recessive limb-girdle muscular dystrophy type 2J (LGMDR10). Also called: MUSCULAR DYSTROPHY, LIMB-GIRDLE, AUTOSOMAL RECESSIVE 10; Limb-girdle muscular dystrophy, type 2J. Identifiers: Orphanet 140922, MedGen C1837342, MONDO:0012127, OMIM 608807.
Cardiomyopathy (CMYO). Also called: Cardiomyopathies. Identifiers: Orphanet 167848, MedGen C0878544, MONDO:0004994, HP:0001638. Inheritance: Various modes of inheritance.
Early-onset myopathy with fatal cardiomyopathy (CMYO5). Also called: CONGENITAL MYOPATHY 5 WITH CARDIOMYOPATHY; Salih Myopathy. Identifiers: Orphanet 289377, MedGen C2673677, MONDO:0012714, OMIM 611705. Disease mechanism: loss of function.
Myopathy, myofibrillar, 9, with early respiratory failure (MFM9). Also called: Myopathy, distal, with early respiratory failure, autosomal dominant; Hereditary myopathy with early respiratory failure; MYOPATHY, PROXIMAL, WITH EARLY RESPIRATORY MUSCLE INVOLVEMENT; EDSTROM MYOPATHY. Identifiers: Orphanet 178464, Orphanet 34521, MedGen C1863599, MONDO:0011362, OMIM 603689.
Tibial muscular dystrophy (TMD). Also called: Udd Distal Myopathy – Tibial Muscular Dystrophy; Tibial muscular dystrophy, tardive; UDD MYOPATHY. Identifiers: Orphanet 609, MedGen C1838244, MONDO:0010870, OMIM 600334.
Primary dilated cardiomyopathy (DCM). Also called: Dilated Cardiomyopathy. Identifiers: Orphanet 217604, MedGen C0007193, MeSH D002311, MONDO:0005021, HP:0001644. Inheritance: Various modes of inheritance.

Allele frequency attached by ClinVar (database versions not stated): ESP Exome Variant Server 0.00146; gnomAD 0.00180 and 0.00108; TOPMed 0.00098; gnomAD exomes 0.00218 and 0.00369; ExAC 0.00426; 1000 Genomes Project 30x 0.00593; 1000 Genomes Project 0.00599.
gnomAD v4.1: 3,503 of 1,613,864 alleles (0.22%); highest among the groups gnomAD compares: South Asian, 2.1%; 52 homozygotes.

Submissions (25):

CeGaT Center for Human Genetics Tuebingen
Classification: Benign. Last evaluated: 2026-09-01. Review status: criteria provided, single submitter. Criteria: CeGaT Center For Human Genetics Tuebingen Variant Classification Criteria Version 2. Collection method: clinical testing. Allele origin: germline. Affected: yes. Observed: 47 variant alleles.
Comment: TTN: BS1, BS2

Labcorp Genetics (formerly Invitae), Labcorp
Classification: Benign for Dilated cardiomyopathy 1G; Autosomal recessive limb-girdle muscular dystrophy type 2J. Last evaluated: 2026-02-03. Review status: criteria provided, single submitter. Criteria: Invitae Variant Classification Sherloc (09022015). Collection method: clinical testing. Allele origin: germline.

Mayo Clinic Laboratories, Mayo Clinic
Classification: Benign. Last evaluated: 2025-09-17. Review status: criteria provided, single submitter. Criteria: ACMG Guidelines, 2015. Collection method: clinical testing. Allele origin: germline. Observed: 8 variant alleles.
Comment: BS1, BS2

ARUP Laboratories, Molecular Genetics and Genomics, ARUP Laboratories
Classification: Benign. Last evaluated: 2025-06-23. Review status: criteria provided, single submitter. Criteria: ARUP Molecular Germline Variant Investigation Process 2024. Collection method: clinical testing. Allele origin: germline.

Molecular Diagnostic Laboratory for Inherited Cardiovascular Disease, Montreal Heart Institute
Classification: Benign. Last evaluated: 2025-04-09. Review status: criteria provided, single submitter. Criteria: ACMG Guidelines, 2015. Collection method: clinical testing. Allele origin: germline. Affected: no.

Athena Diagnostics
Classification: Benign. Last evaluated: 2025-01-21. Review status: criteria provided, single submitter. Criteria: Athena Diagnostics Criteria. Collection method: clinical testing. Allele origin: unknown.
Comment: The frequency of this variant in the general population is higher than would generally be expected for pathogenic variants in this gene.

Women's Health and Genetics/Laboratory Corporation of America, LabCorp
Classification: Likely benign. Last evaluated: 2020-01-06. Review status: criteria provided, single submitter. Criteria: LabCorp Variant Classification Summary - May 2015. Collection method: clinical testing. Allele origin: germline.

CHEO Genetics Diagnostic Laboratory, Children's Hospital of Eastern Ontario
Classification: Benign for Cardiomyopathy. Last evaluated: 2019-05-30. Review status: criteria provided, single submitter. Criteria: ACMG Guidelines, 2015. Collection method: clinical testing. Allele origin: germline.

Illumina Laboratory Services, Illumina
Classification: Likely benign for Dilated cardiomyopathy 1G. Last evaluated: 2018-01-12. Review status: criteria provided, single submitter. Criteria: ICSL Variant Classification Criteria 13 December 2019. Collection method: clinical testing. Allele origin: germline.
Comment: This variant was observed in the ICSL laboratory as part of a predisposition screen in an ostensibly healthy population. It had not been previously curated by ICSL or reported in the Human Gene Mutation Database (HGMD: prior to June 1st, 2018), and was therefore a candidate for classification through an automated scoring system. Utilizing variant allele frequency, disease prevalence and penetrance estimates, and inheritance mode, an automated score was calculated to assess if this variant is too frequent to cause the disease. Based on the score and internal cut-off values, a variant classified as likely benign is not then subjected to further curation. The score for this variant resulted in a classification of likely benign for this disease.

Illumina Laboratory Services, Illumina
Classification: Likely benign for Early-onset myopathy with fatal cardiomyopathy. Last evaluated: 2018-01-12. Review status: criteria provided, single submitter. Criteria: ICSL Variant Classification Criteria 13 December 2019. Collection method: clinical testing. Allele origin: germline.
Comment: the same text as in the submission from Illumina Laboratory Services, Illumina above.

Illumina Laboratory Services, Illumina
Classification: Benign for Tibial muscular dystrophy. Last evaluated: 2018-01-12. Review status: criteria provided, single submitter. Criteria: ICSL Variant Classification Criteria 13 December 2019. Collection method: clinical testing. Allele origin: germline.
Comment: This variant was observed in the ICSL laboratory as part of a predisposition screen in an ostensibly healthy population. It had not been previously curated by ICSL or reported in the Human Gene Mutation Database (HGMD: prior to June 1st, 2018), and was therefore a candidate for classification through an automated scoring system. Utilizing variant allele frequency, disease prevalence and penetrance estimates, and inheritance mode, an automated score was calculated to assess if this variant is too frequent to cause the disease. Based on the score and internal cut-off values, a variant classified as benign is not then subjected to further curation. The score for this variant resulted in a classification of benign for this disease.

Illumina Laboratory Services, Illumina
Classification: Likely benign for Autosomal recessive limb-girdle muscular dystrophy type 2J. Last evaluated: 2018-01-12. Review status: criteria provided, single submitter. Criteria: ICSL Variant Classification Criteria 13 December 2019. Collection method: clinical testing. Allele origin: germline.
Comment: the same text as in the submission from Illumina Laboratory Services, Illumina above.

Illumina Laboratory Services, Illumina
Classification: Benign for Myopathy, myofibrillar, 9, with early respiratory failure. Last evaluated: 2018-01-12. Review status: criteria provided, single submitter. Criteria: ICSL Variant Classification Criteria 13 December 2019. Collection method: clinical testing. Allele origin: germline.
Comment: the same text as in the submission from Illumina Laboratory Services, Illumina above.

Center for Advanced Laboratory Medicine, UC San Diego Health, University of California San Diego
Classification: Benign for Dilated cardiomyopathy. Last evaluated: 2017-02-28. Review status: criteria provided, single submitter. Criteria: ACMG Guidelines, 2015. Collection method: clinical testing. Allele origin: germline. Affected: yes. Observed: 1 variant allele.

GeneDx
Classification: Benign. Last evaluated: 2016-02-08. Review status: criteria provided, single submitter. Criteria: GeneDx Variant Classification (06012015). Collection method: clinical testing. Allele origin: germline. Affected: yes.
Comment: This variant is considered likely benign or benign based on one or more of the following criteria: it is a conservative change, it occurs at a poorly conserved position in the protein, it is predicted to be benign by multiple in silico algorithms, and/or has population frequency not consistent with disease.

Ambry Genetics
Classification: Benign for Cardiovascular phenotype. Last evaluated: 2016-01-06. Review status: criteria provided, single submitter. Criteria: Ambry Variant Classification Scheme 2023. Collection method: clinical testing. Allele origin: germline.

Eurofins Ntd Llc (ga)
Classification: Benign. Last evaluated: 2015-09-03. Review status: criteria provided, single submitter. Criteria: EGL Classification Definitions 2015. Collection method: clinical testing. Allele origin: germline. Observed: 1 variant allele, 1 heterozygote.

Laboratory for Molecular Medicine, Mass General Brigham Personalized Medicine
Classification: Benign. Last evaluated: 2015-02-25. Review status: criteria provided, single submitter. Criteria: LMM Criteria. Collection method: clinical testing. Allele origin: germline. Observed: 14 variant alleles.
Comment: p.Ser29198Phe in exon 292 of TTN: This variant is not expected to have clinical significance because it has been identified in 2.3% (384/16512) of South Asian c hromosomes by the Exome Aggregation Consortium (ExAC .org; dbSNP rs191484894).

Genetic Services Laboratory, University of Chicago
Classification: Uncertain significance. Last evaluated: 2014-03-17. Review status: criteria provided, single submitter. Criteria: ACMG Guidelines, 2007. Collection method: clinical testing. Allele origin: germline.

Biesecker Lab/Clinical Genomics Section, National Institutes of Health
Classification: Likely benign. Last evaluated: 2013-06-24. Review status: criteria provided, single submitter. Criteria: Ng et al. (Circ Cardiovasc Genet. 2013). Collection method: research. Allele origin: unknown. Observed: 2 variant alleles. Study: ClinSeq.
Comment: The study set was not selected for affection status in relation to any cancer. Pathogenicity categories were based on literature curation. See Pubmed ID:23861362 for details.

Medical sequencing

Clinical Genetics DNA and cytogenetics Diagnostics Lab, Erasmus MC, Erasmus Medical Center
Classification: Likely benign. Review status: no assertion criteria provided. Collection method: clinical testing. Allele origin: germline. Affected: yes. Study: VKGL Data-share Consensus. Not counted in ClinVar's aggregate classification.

Clinical Genetics, Academic Medical Center
Classification: Benign. Review status: no assertion criteria provided. Collection method: clinical testing. Allele origin: germline. Affected: yes. Study: VKGL Data-share Consensus. Not counted in ClinVar's aggregate classification.

Diagnostic Laboratory, Department of Genetics, University Medical Center Groningen
Classification: Likely benign. Review status: no assertion criteria provided. Collection method: clinical testing. Allele origin: germline. Affected: yes. Study: VKGL Data-share Consensus. Not counted in ClinVar's aggregate classification.

Joint Genome Diagnostic Labs from Nijmegen and Maastricht, Radboudumc and MUMC+
Classification: Benign. Review status: no assertion criteria provided. Collection method: clinical testing. Allele origin: germline. Affected: yes. Study: VKGL Data-share Consensus. Not counted in ClinVar's aggregate classification.

Laboratory of Diagnostic Genome Analysis, Leiden University Medical Center (LUMC)
Classification: Likely benign. Review status: no assertion criteria provided. Collection method: clinical testing. Allele origin: germline. Affected: yes. Study: VKGL Data-share Consensus. Not counted in ClinVar's aggregate classification.

Literature cited by the submitters: PubMed 26627873 (cited by Mayo Clinic Laboratories, Mayo Clinic); PubMed 23861362 (cited by Athena Diagnostics); PubMed 24503780 (cited by Athena Diagnostics).